The following is an entry in ClinVar:

ClinVar aggregate classification (germline): Uncertain significance (1 of 4 stars; one submission).

Conditions:
Hereditary cancer-predisposing syndrome. Also called: Neoplastic Syndromes, Hereditary; Tumor predisposition; Hereditary neoplastic syndrome; Hereditary Cancer Syndrome. Identifiers: Orphanet 140162, MedGen C0027672, MeSH D009386, MONDO:0015356.

Submission:

Ambry Genetics
Classification: Uncertain significance for Hereditary cancer-predisposing syndrome. Last evaluated: 2026-07-06. Review status: criteria provided, single submitter. Criteria: Ambry Variant Classification Scheme 2023. Collection method: clinical testing. Allele origin: germline.
Comment: The p.S1402N variant (also known as c.4205G>A), located in coding exon 29 of the SMARCA4 gene, results from a G to A substitution at nucleotide position 4205. The serine at codon 1402 is replaced by asparagine, an amino acid with highly similar properties. This amino acid position is conserved. In addition, this alteration is predicted to be tolerated by in silico analysis. Based on the available evidence, the clinical significance of this variant remains unclear.

NM_001387283.1(SMARCA4):c.4205G>A (p.Ser1402Asn)

Gene: SMARCA4 (SWI/SNF related BAF chromatin remodeling complex subunit ATPase 4; plus strand). Cytogenetic location: 19p13.2.
Variant type: single nucleotide variant.
Coding change: c.4205G>A on transcript NM_001387283.1 (MANE Plus Clinical); coding-DNA position 4205, G replaced by A.
Protein change: p.Ser1402Asn; replaces serine 1402 with asparagine.
Molecular consequence: missense variant. On other transcripts: intron variant (7).
Genome position (GRCh38, 1-based): chr19:11,039,492, G>A. VCF-style: chr19-11039492-G-A. GRCh37 (hg19) VCF-style: chr19-11150168-G-A.
Other names: c.4205G>A, p.Ser1402Asn (NM_001128849.3); c.4106G>A, p.Ser1369Asn (NM_001411150.1); c.4171-1815G>A (NM_001128844.3, NM_003072.5); c.4072-1815G>A (NM_001128847.4, NM_001374457.1, NM_001128848.2); c.4072-1806G>A (NM_001128845.2, NM_001128846.2); short protein forms S1402N, S1369N.
Identifiers: ClinVar variation 5029828 (VCV005029828.1).